The following is an entry in ClinVar:

NM_000492.4(CFTR):c.2281C>G (p.Leu761Val)

Gene: CFTR (CF transmembrane conductance regulator; plus strand). Cytogenetic location: 7q31.2.
Variant type: single nucleotide variant.
Coding change: c.2281C>G on transcript NM_000492.4 (MANE Select); coding-DNA position 2281, C replaced by G.
Protein change: p.Leu761Val; replaces leucine 761 with valine.
Molecular consequence: missense variant.
Genome position (GRCh38, 1-based): chr7:117,592,448, C>G. VCF-style: chr7-117592448-C-G. GRCh37 (hg19) VCF-style: chr7-117232502-C-G.
Other names: short protein forms L761V.
Identifiers: ClinVar variation 3491688 (VCV003491688.1).

ClinVar aggregate classification (germline): Uncertain significance (1 of 4 stars; one submission).

Conditions:
Cystic fibrosis (CF). Also called: MUCOVISCIDOSIS. Identifiers: Orphanet 586, MedGen C0010674, MONDO:0009061, OMIM 219700. Disease mechanism: loss of function.

Submission:

Ambry Genetics
Classification: Uncertain significance for Cystic fibrosis. Last evaluated: 2024-10-28. Review status: criteria provided, single submitter. Criteria: Ambry Variant Classification Scheme 2023. Collection method: clinical testing. Allele origin: germline.
Comment: The p.L761V variant (also known as c.2281C>G), located in coding exon 14 of the CFTR gene, results from a C to G substitution at nucleotide position 2281. The leucine at codon 761 is replaced by valine, an amino acid with highly similar properties. This amino acid position is conserved. In addition, this alteration is predicted to be tolerated by in silico analysis. Based on the available evidence, the clinical significance of this variant remains unclear.